The following is an entry in ClinVar:

NM_001142864.4(PIEZO1):c.5743C>A (p.Arg1915Ser)

Gene: PIEZO1 (piezo type mechanosensitive ion channel component 1 (Er blood group); minus strand). Cytogenetic location: 16q24.3.
Variant type: single nucleotide variant.
Coding change: c.5743C>A on transcript NM_001142864.4 (MANE Select); coding-DNA position 5743, C replaced by A.
Protein change: p.Arg1915Ser; replaces arginine 1915 with serine.
Molecular consequence: missense variant.
Genome position (GRCh38, 1-based): chr16:88,720,674, G>T on the plus strand (C>A on the coding strand, the complement: PIEZO1 is on the minus strand). VCF-style: chr16-88720674-G-T. GRCh37 (hg19) VCF-style: chr16-88787082-G-T.
Other names: p.Arg1915Ser; c.5743C>A, p.Arg1915Ser (LRG_1137t1); short protein forms R1915S.
Identifiers: ClinVar variation 252540 (VCV000252540.26), dbSNP rs13338527, ClinGen allele CA8231795.

ClinVar aggregate classification (germline): Benign/Likely benign. Review status: criteria provided, multiple submitters, no conflicts (2 of 4 stars). 5 submissions from 5 submitters: Benign (2); Likely benign (3). Last evaluated 2026-08-01.

Allele frequency attached by ClinVar (database versions not stated): 1000 Genomes Project 0.00339; 1000 Genomes Project 30x 0.00375; ESP Exome Variant Server 0.00482; TOPMed 0.00496.
gnomAD v4.1: 2,193 of 1,546,806 alleles (0.14%); highest among the groups gnomAD compares: African/African-American, 1.5%; 19 homozygotes.

Submissions (5):

CeGaT Center for Human Genetics Tuebingen
Classification: Likely benign. Last evaluated: 2026-08-01. Review status: criteria provided, single submitter. Criteria: CeGaT Center For Human Genetics Tuebingen Variant Classification Criteria Version 2. Collection method: clinical testing. Allele origin: germline. Affected: yes. Observed: 1 variant allele.
Comment: PIEZO1: BP4, BS1

Labcorp Genetics (formerly Invitae), Labcorp
Classification: Benign. Last evaluated: 2026-01-18. Review status: criteria provided, single submitter. Criteria: Invitae Variant Classification Sherloc (09022015). Collection method: clinical testing. Allele origin: germline.

Mayo Clinic Laboratories, Mayo Clinic
Classification: Likely benign. Last evaluated: 2025-08-13. Review status: criteria provided, single submitter. Criteria: ACMG Guidelines, 2015. Collection method: clinical testing. Allele origin: germline. Observed: 22 variant alleles.
Comment: BS2, BP4_moderate

ARUP Laboratories, Molecular Genetics and Genomics, ARUP Laboratories
Classification: Likely benign. Last evaluated: 2025-05-09. Review status: criteria provided, single submitter. Criteria: ARUP Molecular Germline Variant Investigation Process 2024. Collection method: clinical testing. Allele origin: germline.

Genomic Diagnostic Laboratory, Division of Genomic Diagnostics, Children's Hospital of Philadelphia
Classification: Benign. Last evaluated: 2015-10-30. Review status: criteria provided, single submitter. Criteria: DGD Variant Analysis Guidelines. Collection method: clinical testing. Allele origin: unknown.